The following is an entry in ClinVar:

NM_005591.4(MRE11):c.593T>G (p.Val198Gly)

Gene: MRE11 (MRE11 double strand break repair nuclease; minus strand). Cytogenetic location: 11q21.
Variant type: single nucleotide variant.
Coding change: c.593T>G on transcript NM_005591.4 (MANE Select); coding-DNA position 593, T replaced by G.
Protein change: p.Val198Gly; replaces valine 198 with glycine.
Molecular consequence: missense variant.
Genome position (GRCh38, 1-based): chr11:94,476,355, A>C on the plus strand (T>G on the coding strand, the complement: MRE11 is on the minus strand). VCF-style: chr11-94476355-A-C. GRCh37 (hg19) VCF-style: chr11-94209521-A-C.
Other names: c.593T>G, p.Val198Gly (NM_001330347.2, NM_005590.4); short protein forms V198G.
Identifiers: ClinVar variation 1799857 (VCV001799857.2), dbSNP rs2496535457, ClinGen allele CA382376868.

ClinVar aggregate classification (germline): Uncertain significance (1 of 4 stars; one submission).

Conditions:
Hereditary cancer-predisposing syndrome. Also called: Neoplastic Syndromes, Hereditary; Tumor predisposition; Hereditary Cancer Syndrome; Hereditary neoplastic syndrome. Identifiers: Orphanet 140162, MedGen C0027672, MeSH D009386, MONDO:0015356.

gnomAD v4.1: 1 of 1,613,368 alleles (0.000062%); no homozygotes.

Submission:

Ambry Genetics
Classification: Uncertain significance for Hereditary cancer-predisposing syndrome. Last evaluated: 2024-02-10. Review status: criteria provided, single submitter. Criteria: Ambry Variant Classification Scheme 2023. Collection method: clinical testing. Allele origin: germline.
Comment: The p.V198G variant (also known as c.593T>G), located in coding exon 6 of the MRE11A gene, results from a T to G substitution at nucleotide position 593. The valine at codon 198 is replaced by glycine, an amino acid with dissimilar properties. This amino acid position is conserved. In addition, this alteration is predicted to be deleterious by in silico analysis. Since supporting evidence is limited at this time, the clinical significance of this alteration remains unclear.